The following is an entry in ClinVar:

ClinVar aggregate classification (germline): Uncertain significance (1 of 4 stars; one submission).

Conditions:
Infantile-onset ascending hereditary spastic paralysis (IAHSP). Also called: Autosomal Recessive Juvenile Amyotrophic Lateral Sclerosis; Infantile-Onset Ascending Hereditary Spastic Paralysis (IAHSP). Identifiers: Orphanet 293168, MedGen C2931441, MONDO:0011797, OMIM 607225. Disease mechanism: loss of function.

Allele frequency attached by ClinVar (database versions not stated): ExAC 0.00002.

Submission:

Labcorp Genetics (formerly Invitae), Labcorp
Classification: Uncertain significance for Infantile-onset ascending hereditary spastic paralysis. Last evaluated: 2022-03-18. Review status: criteria provided, single submitter. Criteria: Invitae Variant Classification Sherloc (09022015). Collection method: clinical testing. Allele origin: germline.
Comment: Algorithms developed to predict the effect of missense changes on protein structure and function are either unavailable or do not agree on the potential impact of this missense change (SIFT: "Deleterious"; PolyPhen-2: "Possibly Damaging"; Align-GVGD: "Class C0"). This variant has not been reported in the literature in individuals affected with ALS2-related conditions. In summary, the available evidence is currently insufficient to determine the role of this variant in disease. Therefore, it has been classified as a Variant of Uncertain Significance. This variant is present in population databases (rs750622240, gnomAD 0.02%). This sequence change replaces aspartic acid, which is acidic and polar, with tyrosine, which is neutral and polar, at codon 678 of the ALS2 protein (p.Asp678Tyr).

NM_020919.4(ALS2):c.2032G>T (p.Asp678Tyr)

Gene: ALS2 (alsin Rho guanine nucleotide exchange factor ALS2; minus strand). Cytogenetic location: 2q33.1.
Variant type: single nucleotide variant.
Coding change: c.2032G>T on transcript NM_020919.4 (MANE Select); coding-DNA position 2032, G replaced by T.
Protein change: p.Asp678Tyr; replaces aspartic acid 678 with tyrosine.
Molecular consequence: missense variant.
Genome position (GRCh38, 1-based): chr2:201,744,396, C>A on the plus strand (G>T on the coding strand, the complement: ALS2 is on the minus strand). VCF-style: chr2-201744396-C-A. GRCh37 (hg19) VCF-style: chr2-202609119-C-A.
Other names: c.2032G>T, p.Asp678Tyr (NM_001410975.1); short protein forms D678Y.
Identifiers: ClinVar variation 2113654 (VCV002113654.4), dbSNP rs750622240, ClinGen allele CA2058293.